The following is an entry in ClinVar:

ClinVar aggregate classification (germline): Uncertain significance (1 of 4 stars; one submission).

Submission:

Labcorp Genetics (formerly Invitae), Labcorp
Classification: Uncertain significance. Last evaluated: 2025-09-14. Review status: criteria provided, single submitter. Criteria: Invitae Variant Classification Sherloc (09022015). Collection method: clinical testing. Allele origin: germline.
Comment: This sequence change replaces proline, which is neutral and non-polar, with histidine, which is basic and polar, at codon 339 of the HNF1B protein (p.Pro339His). This variant is not present in population databases (gnomAD no frequency). This variant has not been reported in the literature in individuals affected with HNF1B-related conditions. Invitae Evidence Modeling of protein sequence and biophysical properties (such as structural, functional, and spatial information, amino acid conservation, physicochemical variation, residue mobility, and thermodynamic stability) indicates that this missense variant is not expected to disrupt HNF1B protein function with a negative predictive value of 80%. In summary, the available evidence is currently insufficient to determine the role of this variant in disease. Therefore, it has been classified as a Variant of Uncertain Significance.

NM_000458.4(HNF1B):c.1016C>A (p.Pro339His)

Gene: HNF1B (HNF1 homeobox B; minus strand). Cytogenetic location: 17q12.
Variant type: single nucleotide variant.
Coding change: c.1016C>A on transcript NM_000458.4 (MANE Select); coding-DNA position 1016, C replaced by A.
Protein change: p.Pro339His; replaces proline 339 with histidine.
Molecular consequence: missense variant.
Genome position (GRCh38, 1-based): chr17:37,731,624, G>T on the plus strand (C>A on the coding strand, the complement: HNF1B is on the minus strand). VCF-style: chr17-37731624-G-T. GRCh37 (hg19) VCF-style: chr17-36091615-G-T.
Other names: c.938C>A, p.Pro313His (NM_001165923.4, NM_001304286.2); c.1016C>A, p.Pro339His (NM_001411100.1); short protein forms P313H, P339H.
Identifiers: ClinVar variation 4744795 (VCV004744795.1).